The following is an entry in ClinVar:

ClinVar aggregate classification (germline): Benign (1 of 4 stars; one submission).

Conditions:
MELAS syndrome (MELAS). Also called: Juvenile myopathy, encephalopathy, lactic acidosis, stroke. Identifiers: Orphanet 550, MedGen C0162671, MONDO:0010789, OMIM 540000.

Submission:

Wong Mito Lab, Molecular and Human Genetics, Baylor College of Medicine
Classification: Benign for MELAS syndrome. Last evaluated: 2019-07-12. Review status: criteria provided, single submitter. Criteria: Modified ACMG Guidelines (Unpublished). Collection method: clinical testing. Allele origin: germline.
Comment: The NC_012920.1:m.10005A>G variant in MT-TG gene is interpreted to be a Benign variant based on the modified ACMG guidelines (unpublished). This variant meets the following evidence codes reported in the guidelines: BS1, BS2, BP4

Literature cited by the submitters: PubMed 31965079.

NC_012920.1(MT-TG):m.10005A>G

Gene: MT-TG (mitochondrially encoded tRNA glycine; plus strand).
Variant type: single nucleotide variant.
Genome position: chrM-10005-A-G.
Identifiers: ClinVar variation 690092 (VCV000690092.1), dbSNP rs1603222621, ClinGen allele CA913161491.